The following is an entry in ClinVar:

ClinVar aggregate classification (germline): Likely pathogenic (1 of 4 stars; one submission).

Conditions:
OMIM: 606604.

Submission:

Rajaie Cardiovascular, Medical and Research Center, Iran University of Medical Sciences
Classification: Likely pathogenic for OMIM: 606604. Review status: criteria provided, single submitter. Criteria: ACMG Guidelines, 2015. Collection method: research. Allele origin: somatic. Inheritance: Autosomal recessive inheritance. Affected: yes. Observed: 1 variant allele, 1 homozygote.
Comment: The FBXO32 gene encodes an atrogin-1 protein, an E3 ligase, which is expressed in skeletal muscles and cardiomyocytes and plays a critical role in muscle atrophy. Due to the study of Al-Hassnan et al., 2016 (PMID: 26768247), they suggested that FBXO32 is a candidate gene for autosomal recessive Dilated cardiomyopathy. Mutated FBXO32 could perturb the degradation of target proteins in the ubiquitin proteasome system (UPS), the impairment of which has been observed in cardiomyopathy. Based on ACMG classification, c.449_451del variant is VUS.

NM_058229.4(FBXO32):c.881AGA[1] (p.Lys295del)

Gene: FBXO32 (F-box protein 32; minus strand). Cytogenetic location: 8q24.13.
Variant type: Microsatellite.
Coding change: c.881AGA[1] on transcript NM_058229.4 (MANE Select); one copy of the 3-base unit AGA starting at c.881; the reference has two copies in a row; one copy, 3 bases deleted.
Protein change: p.Lys295del; deletes lysine 295.
Molecular consequence: inframe deletion.
Genome position (GRCh38, 1-based): chr8:123,504,696-123,504,698, TCT deleted on the plus strand (AGA on the coding strand, the reverse complement: FBXO32 is on the minus strand); deleting any 3 consecutive bases within chr8:123,504,696-123,504,703 gives the same sequence; the position shown is the placement nearest the transcript's 3' end. VCF-style (leftmost placement, unchanged base first): chr8-123504695-ATCT-A. GRCh37 (hg19) VCF-style: chr8-124516935-ATCT-A.
Other names: c.602AGA[1], p.Lys202del (NM_001242463.2); c.446AGA[1], p.Lys150del (NM_148177.3); short protein forms K150del, K202del, K295del.
Identifiers: ClinVar variation 1188824 (VCV001188824.2), dbSNP rs2130498264, ClinGen allele CA2580617228.